The following is an entry in ClinVar:

NM_001267550.2(TTN):c.38475T>C (p.Val12825=)

Gene: TTN (titin; minus strand). Cytogenetic location: 2q31.2.
Variant type: single nucleotide variant.
Coding change: c.38475T>C on transcript NM_001267550.2 (MANE Select); coding-DNA position 38475, T replaced by C.
Protein change: p.Val12825=; no amino-acid change (valine 12825 retained).
Molecular consequence: synonymous variant. On other transcripts: intron variant (5).
Genome position (GRCh38, 1-based): chr2:178,653,887, A>G on the plus strand (T>C on the coding strand, the complement: TTN is on the minus strand). VCF-style: chr2-178653887-A-G. GRCh37 (hg19) VCF-style: chr2-179518614-A-G.
Other names: c.13283-11570T>C (NM_003319.4); c.13859-11570T>C (NM_133437.4); c.13658-11570T>C (NM_133432.3); c.31742-1346T>C (NM_133378.4); c.34523-1346T>C (NM_001256850.1).
Identifiers: ClinVar variation 1102711 (VCV001102711.10), dbSNP rs1390573790, ClinGen allele CA430109373.

ClinVar aggregate classification (germline): Likely benign. Review status: criteria provided, multiple submitters, no conflicts (2 of 4 stars). 2 submissions from 2 submitters: Likely benign (2). Last evaluated 2026-09-09.

Conditions:
TTN-related disorder. Also called: TTN-related condition; TTN-related disease; TTN-related disorders.
Autosomal recessive limb-girdle muscular dystrophy type 2J (LGMDR10). Also called: Limb-girdle muscular dystrophy, type 2J; MUSCULAR DYSTROPHY, LIMB-GIRDLE, AUTOSOMAL RECESSIVE 10. Identifiers: Orphanet 140922, MedGen C1837342, MONDO:0012127, OMIM 608807.
Dilated cardiomyopathy 1G (CMD1G). Identifiers: Orphanet 154, MedGen C1858763, MONDO:0011400, OMIM 604145.

Allele frequency attached by ClinVar (database versions not stated): gnomAD 0.00001.
gnomAD v4.1: 1 of 1,593,844 alleles (0.000063%); highest among the groups gnomAD compares: African/African-American, 0.0013%; no homozygotes.

Submissions (2):

PreventionGenetics, part of Exact Sciences
Classification: Likely benign for TTN-related condition. Last evaluated: 2026-09-09. Review status: criteria provided, single submitter. Criteria: ACMG Guidelines, 2015. Collection method: clinical testing. Allele origin: germline.
Comment: This variant is classified as likely benign based on ACMG/AMP sequence variant interpretation guidelines (Richards et al. 2015 PMID: 25741868, with internal and published modifications).

Labcorp Genetics (formerly Invitae), Labcorp
Classification: Likely benign for Dilated cardiomyopathy 1G; Autosomal recessive limb-girdle muscular dystrophy type 2J. Last evaluated: 2022-07-25. Review status: criteria provided, single submitter. Criteria: Invitae Variant Classification Sherloc (09022015). Collection method: clinical testing. Allele origin: germline.